The following is an entry in ClinVar:

NM_016169.4(SUFU):c.105C>G (p.His35Gln)

Genes: SUFU (SUFU negative regulator of hedgehog signaling; plus strand), LOC130004614 (ATAC-STARR-seq lymphoblastoid silent region 2764; plus strand). Cytogenetic location: 10q24.32.
Variant type: single nucleotide variant.
Coding change: c.105C>G on transcript NM_016169.4 (MANE Select); coding-DNA position 105, C replaced by G.
Protein change: p.His35Gln; replaces histidine 35 with glutamine.
Molecular consequence: missense variant.
Genome position (GRCh38, 1-based): chr10:102,504,257, C>G. VCF-style: chr10-102504257-C-G. GRCh37 (hg19) VCF-style: chr10-104264014-C-G.
Other names: c.105C>G, p.His35Gln (NM_001178133.2); short protein forms H35Q.
Identifiers: ClinVar variation 3755411 (VCV003755411.2).

ClinVar aggregate classification (germline): Uncertain significance (1 of 4 stars; one submission).

Conditions:
Gorlin syndrome. Also called: Nevoid Basal Cell Carcinoma Syndrome; Basal cell nevus syndrome. Identifiers: Orphanet 377, MedGen C0004779, MONDO:0007187.
Medulloblastoma (MDB). Also called: Medulloblastoma, somatic; MEDULLOBLASTOMA PREDISPOSITION SYNDROME. Identifiers: Orphanet 616, MedGen C0025149, MeSH D008527, MONDO:0007959, OMIM 155255, HP:0002885.

Submission:

Labcorp Genetics (formerly Invitae), Labcorp
Classification: Uncertain significance for Gorlin syndrome; Medulloblastoma. Last evaluated: 2024-03-21. Review status: criteria provided, single submitter. Criteria: Invitae Variant Classification Sherloc (09022015). Collection method: clinical testing. Allele origin: germline.
Comment: This sequence change replaces histidine, which is basic and polar, with glutamine, which is neutral and polar, at codon 35 of the SUFU protein (p.His35Gln). This variant is not present in population databases (gnomAD no frequency). This variant has not been reported in the literature in individuals affected with SUFU-related conditions. Advanced modeling of protein sequence and biophysical properties (such as structural, functional, and spatial information, amino acid conservation, physicochemical variation, residue mobility, and thermodynamic stability) performed at Invitae indicates that this missense variant is not expected to disrupt SUFU protein function with a negative predictive value of 80%. In summary, the available evidence is currently insufficient to determine the role of this variant in disease. Therefore, it has been classified as a Variant of Uncertain Significance.